The following is an entry in ClinVar:

ClinVar aggregate classification (germline): Likely benign. Review status: criteria provided, multiple submitters, no conflicts (2 of 4 stars). 2 submissions from 2 submitters: Likely benign (2). Last evaluated 2017-04-27.

Conditions:
Lynch syndrome 4 (LYNCH4). Also called: Colorectal cancer, hereditary nonpolyposis, type 4; Hereditary non-polyposis colorectal cancer, type 4. Identifiers: Orphanet 144, MedGen C1838333, MONDO:0013699, OMIM 614337. Disease mechanism: loss of function.

Allele frequency attached by ClinVar (database versions not stated): gnomAD exomes 0.00082 and 0.00196; ExAC 0.00365; 1000 Genomes Project 0.00739; gnomAD 0.00836 and 0.00901; 1000 Genomes Project 30x 0.00843.
gnomAD v4.1: 2,197 of 1,358,150 alleles (0.16%); highest among the groups gnomAD compares: African/African-American, 3.1%; 256 homozygotes.

Submissions (2):

Illumina Laboratory Services, Illumina
Classification: Likely benign for Lynch syndrome 4. Last evaluated: 2017-04-27. Review status: criteria provided, single submitter. Criteria: ICSL Variant Classification Criteria 13 December 2019. Collection method: clinical testing. Allele origin: germline.
Comment: This variant was observed as part of a predisposition screen in an ostensibly healthy population. A literature search was performed for the gene, cDNA change, and amino acid change (where applicable). No publications were found based on this search. Allele frequency data from public databases allowed determination this variant is unlikely to cause disease. Therefore, this variant is classified as likely benign.

Breakthrough Genomics
Classification: Likely benign. Review status: criteria provided, single submitter. Criteria: ACMG Guidelines, 2015. Collection method: not provided. Allele origin: germline. Inheritance: Autosomal recessive inheritance. Affected: yes.

NM_000535.7(PMS2):c.*107A>G

Gene: PMS2 (PMS1 homolog 2, mismatch repair system component; minus strand). Cytogenetic location: 7p22.1.
Variant type: single nucleotide variant.
Coding change: c.*107A>G on transcript NM_000535.7 (MANE Select); 107 bases downstream of the stop codon, A replaced by G.
Molecular consequence: 3 prime UTR variant. On other transcripts: non-coding transcript variant (1).
Genome position (GRCh38, 1-based): chr7:5,973,292, T>C on the plus strand (A>G on the coding strand, the complement: PMS2 is on the minus strand). VCF-style: chr7-5973292-T-C. GRCh37 (hg19) VCF-style: chr7-6012923-T-C.
Other names: c.*107A>G (NM_001322003.2, NM_001322004.2, NM_001322005.2 and 10 more transcripts).
Identifiers: ClinVar variation 360540 (VCV000360540.6), dbSNP rs148520351, ClinGen allele CA041853.